The following is an entry in ClinVar:

ClinVar aggregate classification (germline): Pathogenic/Likely pathogenic. Review status: criteria provided, multiple submitters, no conflicts (2 of 4 stars). 10 submissions from 10 submitters: Pathogenic (7); Likely pathogenic (1). 2 of the submissions do not count toward it. Last evaluated 2026-08-04.

Conditions:
Autosomal recessive nonsyndromic hearing loss 3. Also called: NEUROSENSORY NONSYNDROMIC RECESSIVE DEAFNESS 3. Identifiers: Orphanet 90636, MedGen C1838263, MONDO:0010860, OMIM 600316.
MYO15A-related disorder. Also called: MYO15A-related condition.
Rare genetic deafness. Identifiers: Orphanet 96210, MedGen C5680250.

Allele frequency attached by ClinVar (database versions not stated): gnomAD 0.00002 and 0.00003; ExAC 0.00006; TOPMed 0.00008; gnomAD exomes 0.00010.
gnomAD v4.1: 66 of 1,613,028 alleles (0.0041%); highest among the groups gnomAD compares: Admixed American, 0.027%; no homozygotes.

Submissions (10):

GeneDx
Classification: Pathogenic. Last evaluated: 2026-08-04. Review status: criteria provided, single submitter. Criteria: GeneDx Variant Classification Process June 2021. Collection method: clinical testing. Allele origin: germline.
Comment: Identified with a second variant in patients with suspected autosomal recessive sensorineural hearing loss in published literature (PMID: 27068579, 34515852); Nonsense variant predicted to result in protein truncation or nonsense mediated decay in a gene for which loss of function is a known mechanism of disease; This variant is associated with the following publications: (PMID: 34426522, 31589614, 38523675, 34515852, 27068579, 40998904)

PreventionGenetics, part of Exact Sciences
Classification: Pathogenic for MYO15A-related condition. Last evaluated: 2026-05-14. Review status: criteria provided, single submitter. Criteria: ACMG Guidelines, 2015. Collection method: clinical testing. Allele origin: germline.
Comment: The MYO15A c.3385C>T variant is predicted to result in premature protein termination (p.Arg1129*). This variant was reported in the heterozygous state along with a second pathogenic MYO15A variant in two individuals with non-syndromic hearing loss (Table S1, Sommen et al 2016. PubMed ID: 27068579; Table S2, Florentine et al. 2021. PubMed ID: 34515852). This variant is reported in 0.041% of alleles in individuals of Latino descent in gnomAD. Nonsense variants in MYO15A are expected to be pathogenic. This variant is interpreted as pathogenic.

Labcorp Genetics (formerly Invitae), Labcorp
Classification: Pathogenic. Last evaluated: 2025-10-19. Review status: criteria provided, single submitter. Criteria: Invitae Variant Classification Sherloc (09022015). Collection method: clinical testing. Allele origin: germline.
Comment: This sequence change creates a premature translational stop signal (p.Arg1129*) in the MYO15A gene. It is expected to result in an absent or disrupted protein product. Loss-of-function variants in MYO15A are known to be pathogenic (PMID: 17546645). This variant is present in population databases (rs748868741, gnomAD 0.04%). This premature translational stop signal has been observed in individual(s) with deafness (PMID: 27068579). ClinVar contains an entry for this variant (Variation ID: 505802). For these reasons, this variant has been classified as Pathogenic.

Blueprint Genetics
Classification: Pathogenic for MYO15A-related disorders. Last evaluated: 2023-07-26. Review status: criteria provided, single submitter. Criteria: ACMG Guidelines, 2015. Collection method: clinical testing. Allele origin: germline. Affected: yes. Observed: 5 variant alleles.

Revvity Omics, Revvity
Classification: Likely pathogenic for Autosomal recessive nonsyndromic hearing loss 3. Last evaluated: 2022-06-22. Review status: criteria provided, single submitter. Criteria: ACMG Guidelines, 2015. Collection method: clinical testing. Allele origin: germline.

Fulgent Genetics
Classification: Pathogenic for Autosomal recessive nonsyndromic hearing loss 3. Last evaluated: 2021-10-01. Review status: criteria provided, single submitter. Criteria: ACMG Guidelines, 2015. Collection method: clinical testing. Allele origin: unknown.

Laboratory for Molecular Medicine, Mass General Brigham Personalized Medicine
Classification: Pathogenic for Rare genetic deafness. Last evaluated: 2019-09-04. Review status: criteria provided, single submitter. Criteria: ACMG Guidelines, 2015. Collection method: clinical testing. Allele origin: germline. Inheritance: Autosomal recessive inheritance.
Comment: The p.Arg1129X variant in MYO15A has been previously reported in at least 2 individuals with hearing loss (Sommen 2016, LMM unpublished data). This variant has been identified in 0.04% (14/34518) of Latino chromosomes bygnomAD; however, its frequency is low enough to be consistent with a carrier frequency for hearing loss. This nonsense variant leads to a premature termination codon at position 1129, which is predicted to lead to a truncated or absent protein. Loss of MYO15A gene function is an established disease mechanism in autosomal recessive hearing loss. In summary, this variant meets criteria to be classified as pathogenic for autosomal recessive hearing loss. ACMG/AMP criteria applied: PVS1, PM2_Supporting, PM3_Supporting.

Juno Genomics, Hangzhou Juno Genomics, Inc
Classification: Pathogenic for Autosomal recessive nonsyndromic hearing loss 3. Review status: criteria provided, single submitter. Criteria: ACMG Guidelines, 2015. Collection method: clinical testing. Allele origin: germline.
Comment: Null variant in a gene where loss of function (LOF) is a known mechanism of disease.;For recessive disorders, detected in trans with a pathogenic variant.

Clinical Genetics DNA and cytogenetics Diagnostics Lab, Erasmus MC, Erasmus Medical Center
Classification: Pathogenic. Review status: no assertion criteria provided. Collection method: clinical testing. Allele origin: germline. Affected: yes. Study: VKGL Data-share Consensus. Not counted in ClinVar's aggregate classification.

Joint Genome Diagnostic Labs from Nijmegen and Maastricht, Radboudumc and MUMC+
Classification: Pathogenic. Review status: no assertion criteria provided. Collection method: clinical testing. Allele origin: germline. Affected: yes. Study: VKGL Data-share Consensus. Not counted in ClinVar's aggregate classification.

Literature cited by the submitters: PubMed 17546645 (cited by Labcorp Genetics (formerly Invitae), Labcorp); PubMed 27068579 (cited by Labcorp Genetics (formerly Invitae), Labcorp and Laboratory for Molecular Medicine, Mass General Brigham Personalized Medicine).

NM_016239.4(MYO15A):c.3385C>T (p.Arg1129Ter)

Gene: MYO15A (myosin XVA; plus strand). Cytogenetic location: 17p11.2.
Variant type: single nucleotide variant.
Coding change: c.3385C>T on transcript NM_016239.4 (MANE Select); coding-DNA position 3385, C replaced by T.
Protein change: p.Arg1129Ter; replaces arginine 1129 with a stop codon.
Molecular consequence: nonsense.
Genome position (GRCh38, 1-based): chr17:18,122,185, C>T. VCF-style: chr17-18122185-C-T. GRCh37 (hg19) VCF-style: chr17-18025499-C-T.
Other names: short protein forms R1129*.
Identifiers: ClinVar variation 505802 (VCV000505802.31), dbSNP rs748868741, ClinGen allele CA8423453.